The following is an entry in ClinVar:

NM_000321.3(RB1):c.2606C>T (p.Pro869Leu)

Gene: RB1 (RB transcriptional corepressor 1; plus strand). Cytogenetic location: 13q14.2.
Variant type: single nucleotide variant.
Coding change: c.2606C>T on transcript NM_000321.3 (MANE Select); coding-DNA position 2606, C replaced by T.
Protein change: p.Pro869Leu; replaces proline 869 with leucine.
Molecular consequence: missense variant.
Genome position (GRCh38, 1-based): chr13:48,476,786, C>T. VCF-style: chr13-48476786-C-T. GRCh37 (hg19) VCF-style: chr13-49050922-C-T.
Other names: c.2606C>T, p.Pro869Leu (NM_001407165.1); c.56C>T, p.Pro19Leu (NM_001407168.1); short protein forms P19L, P869L.
Identifiers: ClinVar variation 4863006 (VCV004863006.1).
Genomic context (GRCh38, chr13:48,476,786, plus strand): 5'-ATCAGATGGTATGTAACAGCGACCGTGTGCTCAAAAGAAGTGCTGAAGGAAGCAACCCTC[C>T]TAAACCACTGAAAAAACTACGCTTTGATATTGAAGGATCAGATGAAGCAGATGGAAGGTA-3'
Protein context (NP_000312.2, residues 859-879): LKRSAEGSNP[Pro869Leu]KPLKKLRFDI

ClinVar aggregate classification (germline): Uncertain significance (1 of 4 stars; one submission).

Conditions:
Hereditary cancer-predisposing syndrome. Also called: Neoplastic Syndromes, Hereditary; Tumor predisposition; Hereditary Cancer Syndrome; Hereditary neoplastic syndrome. Identifiers: Orphanet 140162, MedGen C0027672, MeSH D009386, MONDO:0015356.

Submission:

Ambry Genetics
Classification: Uncertain significance for Hereditary cancer-predisposing syndrome. Last evaluated: 2026-03-30. Review status: criteria provided, single submitter. Criteria: Ambry Variant Classification Scheme 2023. Collection method: clinical testing. Allele origin: germline.
Comment: The p.P869L variant (also known as c.2606C>T), located in coding exon 25 of the RB1 gene, results from a C to T substitution at nucleotide position 2606. The proline at codon 869 is replaced by leucine, an amino acid with similar properties. This amino acid position is highly conserved in available vertebrate species. In addition, this alteration is predicted to be tolerated by in silico analysis. Based on the available evidence, the clinical significance of this variant remains unclear.